The following is an entry in ClinVar:

ClinVar aggregate classification (germline): Uncertain significance (1 of 4 stars; one submission).

Submission:

Ambry Genetics
Classification: Uncertain significance. Last evaluated: 2022-07-21. Review status: criteria provided, single submitter. Criteria: Ambry Variant Classification Scheme 2023. Collection method: clinical testing. Allele origin: germline.
Comment: The p.L1430V variant (also known as c.4288T>G), located in coding exon 16 of the POLQ gene, results from a T to G substitution at nucleotide position 4288. The leucine at codon 1430 is replaced by valine, an amino acid with highly similar properties. This amino acid position is conserved. In addition, this alteration is predicted to be tolerated by in silico analysis. Since supporting evidence is limited at this time, the clinical significance of this alteration remains unclear.

NM_199420.4(POLQ):c.4288T>G (p.Leu1430Val)

Gene: POLQ (DNA polymerase theta; minus strand). Cytogenetic location: 3q13.33.
Variant type: single nucleotide variant.
Coding change: c.4288T>G on transcript NM_199420.4 (MANE Select); coding-DNA position 4288, T replaced by G.
Protein change: p.Leu1430Val; replaces leucine 1430 with valine.
Molecular consequence: missense variant.
Genome position (GRCh38, 1-based): chr3:121,488,643, A>C on the plus strand (T>G on the coding strand, the complement: POLQ is on the minus strand). VCF-style: chr3-121488643-A-C. GRCh37 (hg19) VCF-style: chr3-121207490-A-C.
Other names: short protein forms L1430V.
Identifiers: ClinVar variation 1739397 (VCV001739397.2), dbSNP rs2546786048, ClinGen allele CA354095479.